The following is an entry in ClinVar:

ClinVar aggregate classification (germline): Uncertain significance (1 of 4 stars; one submission).

Conditions:
Cutis laxa, X-linked (OHS). Also called: EDS IX; Occipital horn syndrome. Identifiers: Orphanet 198, MedGen C0268353, MONDO:0010572, OMIM 304150.
X-linked distal spinal muscular atrophy type 3. Also called: ATP7A-Related Distal Motor Neuropathy; SPINAL MUSCULAR ATROPHY, DISTAL, X-LINKED RECESSIVE; NEURONOPATHY, DISTAL HEREDITARY MOTOR, X-LINKED; NEUROPATHY, DISTAL HEREDITARY MOTOR, X-LINKED. Identifiers: Orphanet 139557, MedGen C1845359, MONDO:0010338, OMIM 300489.
Menkes kinky-hair syndrome (MNK). Also called: Classic Menkes Disease; Copper transport disease; Menkes Disease. Identifiers: Orphanet 565, MedGen C0022716, MONDO:0010651, OMIM 309400.

Submission:

Labcorp Genetics (formerly Invitae), Labcorp
Classification: Uncertain significance for X-linked distal spinal muscular atrophy type 3; Cutis laxa, X-linked; Menkes kinky-hair syndrome. Last evaluated: 2022-12-06. Review status: criteria provided, single submitter. Criteria: Invitae Variant Classification Sherloc (09022015). Collection method: clinical testing. Allele origin: germline.
Comment: ClinVar contains an entry for this variant (Variation ID: 1469378). This variant has not been reported in the literature in individuals affected with ATP7A-related conditions. This variant is not present in population databases (gnomAD no frequency). This sequence change replaces arginine, which is basic and polar, with threonine, which is neutral and polar, at codon 1349 of the ATP7A protein (p.Arg1349Thr). Advanced modeling of protein sequence and biophysical properties (such as structural, functional, and spatial information, amino acid conservation, physicochemical variation, residue mobility, and thermodynamic stability) has been performed at Invitae for this missense variant, however the output from this modeling did not meet the statistical confidence thresholds required to predict the impact of this variant on ATP7A protein function. In summary, the available evidence is currently insufficient to determine the role of this variant in disease. Therefore, it has been classified as a Variant of Uncertain Significance.

NM_000052.7(ATP7A):c.4046G>C (p.Arg1349Thr)

Gene: ATP7A (ATPase copper transporting alpha; plus strand). Cytogenetic location: Xq21.1.
Variant type: single nucleotide variant.
Coding change: c.4046G>C on transcript NM_000052.7 (MANE Select); coding-DNA position 4046, G replaced by C.
Protein change: p.Arg1349Thr; replaces arginine 1349 with threonine.
Molecular consequence: missense variant. On other transcripts: non-coding transcript variant (1).
Genome position (GRCh38, 1-based): chrX:78,043,357, G>C. VCF-style: chrX-78043357-G-C. GRCh37 (hg19) VCF-style: chrX-77298855-G-C.
Other names: c.3812G>C, p.Arg1271Thr (NM_001282224.2); short protein forms R1271T, R1349T.
Identifiers: ClinVar variation 1469378 (VCV001469378.6), dbSNP rs2149112238, ClinGen allele CA413605549.